The following is an entry in ClinVar:

NM_000059.4(BRCA2):c.3679C>G (p.Leu1227Val)

Gene: BRCA2 (BRCA2 DNA repair associated; plus strand). Cytogenetic location: 13q13.1.
Variant type: single nucleotide variant.
Coding change: c.3679C>G on transcript NM_000059.4 (MANE Select); coding-DNA position 3679, C replaced by G.
Protein change: p.Leu1227Val; replaces leucine 1227 with valine.
Molecular consequence: missense variant.
Genome position (GRCh38, 1-based): chr13:32,338,034, C>G. VCF-style: chr13-32338034-C-G. GRCh37 (hg19) VCF-style: chr13-32912171-C-G.
Other names: short protein forms L1227V.
Identifiers: ClinVar variation 627876 (VCV000627876.19), dbSNP rs1566228950, ClinGen allele CA387778008.
Genomic context (GRCh38, chr13:32,338,034, plus strand): 5'-TATTTAACAGATGAAAATGAAGTGGGGTTTAGGGGCTTTTATTCTGCTCATGGCACAAAA[C>G]TGAATGTTTCTACTGAAGCTCTGCAAAAAGCTGTGAAACTGTTTAGTGATATTGAGAATA-3'
Protein context (NP_000050.3, residues 1217-1237): RGFYSAHGTK[Leu1227Val]NVSTEALQKA

ClinVar aggregate classification (germline): Conflicting classifications of pathogenicity. Review status: criteria provided, conflicting classifications (1 of 4 stars). 6 submissions from 6 submitters: Uncertain significance (5); Likely benign (1). Last evaluated 2024-03-07.

Conditions:
Hereditary cancer-predisposing syndrome. Also called: Tumor predisposition; Neoplastic Syndromes, Hereditary; Hereditary Cancer Syndrome; Hereditary neoplastic syndrome. Identifiers: Orphanet 140162, MedGen C0027672, MeSH D009386, MONDO:0015356.
Hereditary breast ovarian cancer syndrome. Also called: Hereditary breast and ovarian cancer; Hereditary breast and ovarian cancer syndrome (HBOC); Hereditary breast and/or ovarian cancer syndrome; Hereditary breast and ovarian cancer syndrome; Breast and ovarian cancer; BRCA1- and BRCA2-Associated Hereditary Breast and Ovarian Cancer. Identifiers: Orphanet 145, MedGen C0677776, MeSH D061325, MONDO:0003582. Disease mechanism: loss of function.
Breast-ovarian cancer, familial, susceptibility to, 2 (BROVCA2). Also called: BRCA2 Hereditary Breast and Ovarian Cancer. Identifiers: Orphanet 145, MedGen C2675520, MONDO:0012933, OMIM 612555. Disease mechanism: loss of function.

Submissions (6):

Color Diagnostics, LLC DBA Color Health
Classification: Uncertain significance for Hereditary cancer-predisposing syndrome. Last evaluated: 2024-03-07. Review status: criteria provided, single submitter. Criteria: ACMG Guidelines, 2015. Collection method: clinical testing. Allele origin: germline.
Comment: This missense variant replaces leucine with valine at codon 1227 of the BRCA2 protein. Computational prediction suggests that this variant may not impact protein structure and function (internally defined REVEL score threshold <= 0.5, PMID: 27666373). Splice site prediction tools suggest that this variant may not impact RNA splicing. To our knowledge, functional studies have not been performed for this variant. This variant has not been reported in individuals affected with hereditary cancer in the literature. This variant has not been identified in the general population by the Genome Aggregation Database (gnomAD). The available evidence is insufficient to determine the role of this variant in disease conclusively. Therefore, this variant is classified as a Variant of Uncertain Significance.

All of Us Research Program, National Institutes of Health
Classification: Uncertain significance for Breast-ovarian cancer, familial, susceptibility to, 2. Last evaluated: 2023-12-01. Review status: criteria provided, single submitter. Criteria: ACMG Guidelines, 2015. Collection method: clinical testing. Allele origin: germline. Inheritance: Autosomal dominant inheritance. Observed: 1 variant allele, 1 heterozygote.
Comment: This missense variant replaces leucine with valine at codon 1227 of the BRCA2 protein. Computational prediction suggests that this variant may not impact protein structure and function (internally defined REVEL score threshold <= 0.5, PMID: 27666373). Splice site prediction tools suggest that this variant may not impact RNA splicing. To our knowledge, functional studies have not been performed for this variant. This variant has not been reported in individuals affected with hereditary cancer in the literature. This variant has not been identified in the general population by the Genome Aggregation Database (gnomAD). The available evidence is insufficient to determine the role of this variant in disease conclusively. Therefore, this variant is classified as a Variant of Uncertain Significance.

This study involves interpretation of variants in research participants for the purpose of population health screening. Participant phenotype was not available at the time of variant classification. Additional details can be found in publication PMID: 35346344, PMCID: PMC8962531

Ambry Genetics
Classification: Uncertain significance for Hereditary cancer-predisposing syndrome. Last evaluated: 2023-10-22. Review status: criteria provided, single submitter. Criteria: Ambry Variant Classification Scheme 2023. Collection method: clinical testing. Allele origin: germline.
Comment: The p.L1227V variant (also known as c.3679C>G), located in coding exon 10 of the BRCA2 gene, results from a C to G substitution at nucleotide position 3679. The leucine at codon 1227 is replaced by valine, an amino acid with highly similar properties. This amino acid position is not well conserved in available vertebrate species. In addition, the in silico prediction for this alteration is inconclusive. Since supporting evidence is limited at this time, the clinical significance of this alteration remains unclear.

University of Washington Department of Laboratory Medicine, University of Washington
Classification: Likely benign for Hereditary cancer-predisposing syndrome. Last evaluated: 2023-03-23. Review status: criteria provided, single submitter. Criteria: Dines et al. (Genet Med. 2020). Collection method: curation. Allele origin: germline.
Comment: Missense variant in a coldspot region where missense variants are very unlikely to be pathogenic (PMID:31911673).

BRCA2 exon 11 coldspot. Reclassification based on statistical prior probability.

Labcorp Genetics (formerly Invitae), Labcorp
Classification: Uncertain significance for Hereditary breast ovarian cancer syndrome. Last evaluated: 2021-08-10. Review status: criteria provided, single submitter. Criteria: Invitae Variant Classification Sherloc (09022015). Collection method: clinical testing. Allele origin: germline.
Comment: This variant has not been reported in the literature in individuals with BRCA2-related conditions. ClinVar contains an entry for this variant (Variation ID: 627876). In summary, the available evidence is currently insufficient to determine the role of this variant in disease. Therefore, it has been classified as a Variant of Uncertain Significance. Algorithms developed to predict the effect of sequence changes on RNA splicing suggest that this variant may create or strengthen a splice site, but this prediction has not been confirmed by published transcriptional studies. Advanced modeling of protein sequence and biophysical properties (such as structural, functional, and spatial information, amino acid conservation, physicochemical variation, residue mobility, and thermodynamic stability) performed at Invitae indicates that this missense variant is not expected to disrupt BRCA2 protein function. This variant is not present in population databases (ExAC no frequency). This sequence change replaces leucine with valine at codon 1227 of the BRCA2 protein (p.Leu1227Val). The leucine residue is weakly conserved and there is a small physicochemical difference between leucine and valine.

GeneDx
Classification: Uncertain significance. Last evaluated: 2020-07-08. Review status: criteria provided, single submitter. Criteria: GeneDx Variant Classification Process June 2021. Collection method: clinical testing. Allele origin: germline. Affected: yes.
Comment: Not observed in large population cohorts (Lek 2016); In silico analysis supports that this missense variant does not alter protein structure/function; Has not been previously published as pathogenic or benign to our knowledge; Also known as 3907C>G